The following is an entry in ClinVar:

ClinVar aggregate classification (germline): Uncertain significance. Review status: criteria provided, multiple submitters, no conflicts (2 of 4 stars). 3 submissions from 3 submitters: Uncertain significance (3). Last evaluated 2024-05-31.

Conditions:
Hereditary cancer-predisposing syndrome. Also called: Neoplastic Syndromes, Hereditary; Tumor predisposition; Hereditary neoplastic syndrome; Hereditary Cancer Syndrome. Identifiers: Orphanet 140162, MedGen C0027672, MeSH D009386, MONDO:0015356.
Hereditary nonpolyposis colorectal neoplasms. Identifiers: MedGen C0009405, MeSH D003123.

Submissions (3):

Labcorp Genetics (formerly Invitae), Labcorp
Classification: Uncertain significance for Hereditary nonpolyposis colorectal neoplasms. Last evaluated: 2024-05-31. Review status: criteria provided, single submitter. Criteria: Invitae Variant Classification Sherloc (09022015). Collection method: clinical testing. Allele origin: germline.
Comment: This sequence change replaces aspartic acid, which is acidic and polar, with glycine, which is neutral and non-polar, at codon 262 of the MSH6 protein (p.Asp262Gly). This variant is not present in population databases (gnomAD no frequency). This variant has not been reported in the literature in individuals affected with MSH6-related conditions. ClinVar contains an entry for this variant (Variation ID: 644352). Advanced modeling of protein sequence and biophysical properties (such as structural, functional, and spatial information, amino acid conservation, physicochemical variation, residue mobility, and thermodynamic stability) performed at Invitae indicates that this missense variant is not expected to disrupt MSH6 protein function with a negative predictive value of 95%. In summary, the available evidence is currently insufficient to determine the role of this variant in disease. Therefore, it has been classified as a Variant of Uncertain Significance.

Institute for Biomarker Research, Medical Diagnostic Laboratories, L.L.C.
Classification: Uncertain significance for Hereditary cancer-predisposing syndrome. Last evaluated: 2024-03-22. Review status: criteria provided, single submitter. Criteria: ACMG Guidelines, 2015. Collection method: clinical testing. Allele origin: germline.

Ambry Genetics
Classification: Uncertain significance for Hereditary cancer-predisposing syndrome. Last evaluated: 2022-02-17. Review status: criteria provided, single submitter. Criteria: Ambry Variant Classification Scheme 2023. Collection method: clinical testing. Allele origin: germline.
Comment: The p.D262G variant (also known as c.785A>G), located in coding exon 4 of the MSH6 gene, results from an A to G substitution at nucleotide position 785. The aspartic acid at codon 262 is replaced by glycine, an amino acid with similar properties. This amino acid position is highly conserved in available vertebrate species. In addition, the in silico prediction for this alteration is inconclusive. Since supporting evidence is limited at this time, the clinical significance of this alteration remains unclear.

NM_000179.3(MSH6):c.785A>G (p.Asp262Gly)

Gene: MSH6 (mutS homolog 6; plus strand). Cytogenetic location: 2p16.3.
Variant type: single nucleotide variant.
Coding change: c.785A>G on transcript NM_000179.3 (MANE Select); coding-DNA position 785, A replaced by G.
Protein change: p.Asp262Gly; replaces aspartic acid 262 with glycine.
Molecular consequence: missense variant. On other transcripts: 5 prime UTR variant (2).
Genome position (GRCh38, 1-based): chr2:47,798,768, A>G. VCF-style: chr2-47798768-A-G. GRCh37 (hg19) VCF-style: chr2-48025907-A-G.
Other names: c.395A>G, p.Asp132Gly (NM_001281492.2); c.-122A>G (NM_001281493.2, NM_001281494.2); short protein forms D132G, D262G.
Identifiers: ClinVar variation 644352 (VCV000644352.16), dbSNP rs1572720347, ClinGen allele CA346740265.
Genomic context (GRCh38, chr2:47,798,768, plus strand): 5'-GCCGCCAAATAAAAAAACGAAGGGTCATATCAGATTCTGAGAGTGACATTGGTGGCTCTG[A>G]TGTGGAATTTAAGCCAGACACTAAGGAGGAAGGAAGCAGTGATGAAATAAGCAGTGGAGT-3'
Protein context (NP_000170.1, residues 252-272): SDSESDIGGS[Asp262Gly]VEFKPDTKEE